The following is an entry in ClinVar:

NM_001042413.2(GLIS3):c.1430C>T (p.Ala477Val)

Gene: GLIS3 (GLIS family zinc finger 3; minus strand). Cytogenetic location: 9p24.2.
Variant type: single nucleotide variant.
Coding change: c.1430C>T on transcript NM_001042413.2 (MANE Select); coding-DNA position 1430, C replaced by T.
Protein change: p.Ala477Val; replaces alanine 477 with valine.
Molecular consequence: missense variant.
Genome position (GRCh38, 1-based): chr9:4,118,048, G>A on the plus strand (C>T on the coding strand, the complement: GLIS3 is on the minus strand). VCF-style: chr9-4118048-G-A. GRCh37 (hg19) VCF-style: chr9-4118048-G-A.
Other names: c.965C>T, p.Ala322Val (NM_152629.4); c.1430C>T (NM_001042413.1); short protein forms A477V, A322V.
Identifiers: ClinVar variation 129157 (VCV000129157.18), dbSNP rs114838275, ClinGen allele CA231138.

ClinVar aggregate classification (germline): Conflicting classifications of pathogenicity. Review status: criteria provided, conflicting classifications (1 of 4 stars). 4 submissions from 4 submitters: Uncertain significance (2); Benign (1). 1 of the submissions does not count toward it. Last evaluated 2025-12-08.

Conditions:
GLIS3-related disorder. Also called: GLIS3-related condition.

Allele frequency attached by ClinVar (database versions not stated): gnomAD exomes 0.00057; ExAC 0.00068; gnomAD 0.00194 and 0.00207; 1000 Genomes Project 0.00220; ESP Exome Variant Server 0.00223; TOPMed 0.00233; 1000 Genomes Project 30x 0.00297.
gnomAD v4.1: 567 of 1,591,170 alleles (0.036%); highest among the groups gnomAD compares: African/African-American, 0.71%; 3 homozygotes.

Submissions (4):

Labcorp Genetics (formerly Invitae), Labcorp
Classification: Benign. Last evaluated: 2025-12-08. Review status: criteria provided, single submitter. Criteria: Invitae Variant Classification Sherloc (09022015). Collection method: clinical testing. Allele origin: germline.

GeneDx
Classification: Uncertain significance. Last evaluated: 2022-01-25. Review status: criteria provided, single submitter. Criteria: GeneDx Variant Classification Process June 2021. Collection method: clinical testing. Allele origin: germline. Affected: yes.
Comment: In silico analysis supports that this missense variant does not alter protein structure/function; Has not been previously published as pathogenic or benign to our knowledge

Genetic Services Laboratory, University of Chicago
Classification: Uncertain significance. Last evaluated: 2013-11-04. Review status: criteria provided, single submitter. Criteria: ACMG Guidelines, 2007. Collection method: clinical testing. Allele origin: germline. Inheritance: Autosomal recessive inheritance.

PreventionGenetics, part of Exact Sciences
Classification: Benign for GLIS3-related condition. Last evaluated: 2019-06-06. Review status: no assertion criteria provided. Collection method: clinical testing. Allele origin: germline. Not counted in ClinVar's aggregate classification.
Comment: This variant is classified as benign based on ACMG/AMP sequence variant interpretation guidelines (Richards et al. 2015 PMID: 25741868, with internal and published modifications).